The following is an entry in ClinVar:

ClinVar aggregate classification (germline): Uncertain significance (1 of 4 stars; one submission).

Submission:

Dasa
Classification: Uncertain significance. Last evaluated: 2025-10-10. Review status: criteria provided, single submitter. Criteria: DASA Assertion Criteria. Collection method: clinical testing. Allele origin: germline.
Comment: NM_016604.4(KDM3B):c.1604C>T (p.Pro535Leu) is a missense variant that results in the substitution of proline with leucine. This variant is absent from population databases. Computational prediction algorithms are consistent with a deleterious effect. The currently available literature and clinical evidence are not sufficient to establish a definitive association between this variant and the reported condition. Therefore, this variant is classified as a variant of uncertain significance.

NM_016604.4(KDM3B):c.1604C>T (p.Pro535Leu)

Gene: KDM3B (lysine demethylase 3B; plus strand). Cytogenetic location: 5q31.2.
Variant type: single nucleotide variant.
Coding change: c.1604C>T on transcript NM_016604.4 (MANE Select); coding-DNA position 1604, C replaced by T.
Protein change: p.Pro535Leu; replaces proline 535 with leucine.
Molecular consequence: missense variant.
Genome position (GRCh38, 1-based): chr5:138,391,236, C>T. VCF-style: chr5-138391236-C-T. GRCh37 (hg19) VCF-style: chr5-137726925-C-T.
Other names: short protein forms P535L.
Identifiers: ClinVar variation 4886744 (VCV004886744.2).